The following is an entry in ClinVar:

NM_206926.2(SELENON):c.345del (p.Asp116fs)

Gene: SELENON (selenoprotein N; plus strand). Cytogenetic location: 1p36.11.
Variant type: Deletion.
Coding change: c.345del on transcript NM_206926.2 (MANE Select); coding-DNA position 345, one base deleted (T; older notation c.345delT).
Protein change: p.Asp116fs; shifts the reading frame from aspartic acid 116.
Molecular consequence: frameshift variant.
Genome position (GRCh38, 1-based): chr1:25,805,185, T deleted. VCF-style (leftmost placement, unchanged base first): chr1-25805184-CT-C. GRCh37 (hg19) VCF-style: chr1-26131675-CT-C.
Other names: c.447del, p.Asp150fs (NM_020451.3); short protein forms D116fs, D150fs.
Identifiers: ClinVar variation 4293024 (VCV004293024.1).

ClinVar aggregate classification (germline): Pathogenic (1 of 4 stars; one submission).

Conditions:
Eichsfeld type congenital muscular dystrophy (CMYO3). Also called: MYOPATHY, SEPN1-RELATED; Rigid spine muscular dystrophy 1; SELENON-related myopathy; Congenital myopathy 3 with rigid spine. Identifiers: MedGen C0410180, MONDO:0100100, OMIM 602771.

Submission:

3billion
Classification: Pathogenic for Eichsfeld type congenital muscular dystrophy. Last evaluated: 2024-10-25. Review status: criteria provided, single submitter. Criteria: ACMG Guidelines, 2015. Collection method: clinical testing. Allele origin: germline. Affected: yes.
Comment: The variant is observed at an extremely low frequency in the gnomAD v4.1.0 dataset (total allele frequency: <0.001%). Predicted Consequence/Location: Frameshift: predicted to result in a loss or disruption of normal protein function through nonsense-mediated decay (NMD) or protein truncation. Multiple pathogenic variants are reported downstream of the variant. Therefore, this variant is classified as Pathogenic according to the recommendation of ACMG/AMP guideline.